The following is an entry in ClinVar:

ClinVar aggregate classification (germline): Conflicting classifications of pathogenicity. Review status: criteria provided, conflicting classifications (1 of 4 stars). 8 submissions from 8 submitters: Uncertain significance (4); Likely benign (4). Last evaluated 2026-02-01.

Conditions:
MYPN-related disorder. Also called: MYPN-related condition.
Dilated cardiomyopathy 1KK (CMD1KK). Identifiers: Orphanet 154, Orphanet 75249, MedGen C3714995, MONDO:0014100, OMIM 615248.
MYPN-related myopathy (CMYO24). Also called: Nemaline myopathy 11, autosomal recessive. Identifiers: MedGen C4479186, MONDO:0015023, OMIM 617336.
Cardiovascular phenotype. Identifiers: MedGen CN230736.
Cardiomyopathy (CMYO). Also called: Cardiomyopathies. Identifiers: Orphanet 167848, MedGen C0878544, MONDO:0004994, HP:0001638. Inheritance: Various modes of inheritance.

Allele frequency attached by ClinVar (database versions not stated): gnomAD exomes 0.00004 and 0.00023; gnomAD 0.00007; TOPMed 0.00011; 1000 Genomes Project 30x 0.00016; ExAC 0.00019; 1000 Genomes Project 0.00020.

Submissions (8):

Labcorp Genetics (formerly Invitae), Labcorp
Classification: Uncertain significance for Dilated cardiomyopathy 1KK. Last evaluated: 2026-02-01. Review status: criteria provided, single submitter. Criteria: Invitae Variant Classification Sherloc (09022015). Collection method: clinical testing. Allele origin: germline.
Comment: This sequence change replaces methionine, which is neutral and non-polar, with valine, which is neutral and non-polar, at codon 1035 of the MYPN protein (p.Met1035Val). This variant is present in population databases (rs201975081, gnomAD 0.2%). This variant has not been reported in the literature in individuals affected with MYPN-related conditions. ClinVar contains an entry for this variant (Variation ID: 431886). An algorithm developed to predict the effect of missense changes on protein structure and function (PolyPhen-2) suggests that this variant is likely to be tolerated. In summary, the available evidence is currently insufficient to determine the role of this variant in disease. Therefore, it has been classified as a Variant of Uncertain Significance.

PreventionGenetics, part of Exact Sciences
Classification: Likely benign for MYPN-related condition. Last evaluated: 2025-07-05. Review status: criteria provided, single submitter. Criteria: ACMG Guidelines, 2015. Collection method: clinical testing. Allele origin: germline.
Comment: This variant is classified as likely benign based on ACMG/AMP sequence variant interpretation guidelines (Richards et al. 2015 PMID: 25741868, with internal and published modifications).

Clinical Genomics Laboratory, Stanford Medicine
Classification: Uncertain significance for Dilated cardiomyopathy 1KK. Last evaluated: 2021-07-21. Review status: criteria provided, single submitter. Criteria: ACMG Guidelines, 2015. Collection method: clinical testing. Allele origin: germline. Affected: yes. Observed: 1 heterozygote.
Comment: The p.Met1035Val variant in the MYPNgene has not been previously reported in association with disease. This variant has been identified in 57/35,428 Latino/Admixed American chromosomes (58/282,820 chromosomes overall) by the Genome Aggregation Database. This population frequency is likely too high to be consistent with autosomal dominant disease, but is low enough to be consistent with a recessive carrier frequency. Computational tools do not predict that the p.Met1035Val variant impacts protein function; however, the accuracy of in silicoalgorithms is limited. These data were assessed using the ACMG/AMP variant interpretation guidelines. In summary, the significance of the p.Met1035Valvariant is uncertain. Additional information is needed to resolve the significance of this variant. [ACMG evidence codes used: BS1_Supporting]

GeneDx
Classification: Likely benign. Last evaluated: 2021-06-04. Review status: criteria provided, single submitter. Criteria: GeneDx Variant Classification Process June 2021. Collection method: clinical testing. Allele origin: germline. Affected: yes.
Comment: This variant is associated with the following publications: (PMID: 27535533, 26582918)

Ambry Genetics
Classification: Likely benign for Cardiovascular phenotype. Last evaluated: 2020-08-25. Review status: criteria provided, single submitter. Criteria: Ambry Variant Classification Scheme 2023. Collection method: clinical testing. Allele origin: germline.

Revvity Omics, Revvity
Classification: Uncertain significance. Last evaluated: 2020-03-09. Review status: criteria provided, single submitter. Criteria: ACMG Guidelines, 2015. Collection method: clinical testing. Allele origin: germline.

Fulgent Genetics
Classification: Uncertain significance for Dilated cardiomyopathy 1KK; MYPN-related myopathy. Last evaluated: 2018-10-31. Review status: criteria provided, single submitter. Criteria: ACMG Guidelines, 2015. Collection method: clinical testing. Allele origin: unknown.

Center for Advanced Laboratory Medicine, UC San Diego Health, University of California San Diego
Classification: Likely benign for Cardiomyopathy. Last evaluated: 2018-06-26. Review status: criteria provided, single submitter. Criteria: ACMG Guidelines, 2015. Collection method: clinical testing. Allele origin: germline. Affected: yes. Observed: 1 variant allele.

NM_032578.4(MYPN):c.3103A>G (p.Met1035Val)

Gene: MYPN (myopalladin; plus strand). Cytogenetic location: 10q21.3.
Variant type: single nucleotide variant.
Coding change: c.3103A>G on transcript NM_032578.4 (MANE Select); coding-DNA position 3103, A replaced by G.
Protein change: p.Met1035Val; replaces methionine 1035 with valine.
Molecular consequence: missense variant. On other transcripts: non-coding transcript variant (2).
Genome position (GRCh38, 1-based): chr10:68,195,477, A>G. VCF-style: chr10-68195477-A-G. GRCh37 (hg19) VCF-style: chr10-69955234-A-G.
Other names: p.Met1035Val; c.3103A>G, p.Met1035Val (NM_001256267.2); c.2221A>G, p.Met741Val (NM_001256268.2); short protein forms M1035V, M741V.
Identifiers: ClinVar variation 431886 (VCV000431886.18), dbSNP rs201975081, ClinGen allele CA5522949.